The following is an entry in ClinVar:

NM_003664.5(AP3B1):c.2573T>A (p.Ile858Asn)

Gene: AP3B1 (adaptor related protein complex 3 subunit beta 1; minus strand). Cytogenetic location: 5q14.1.
Variant type: single nucleotide variant.
Coding change: c.2573T>A on transcript NM_003664.5 (MANE Select); coding-DNA position 2573, T replaced by A.
Protein change: p.Ile858Asn; replaces isoleucine 858 with asparagine.
Molecular consequence: missense variant.
Genome position (GRCh38, 1-based): chr5:78,089,397, A>T on the plus strand (T>A on the coding strand, the complement: AP3B1 is on the minus strand). VCF-style: chr5-78089397-A-T. GRCh37 (hg19) VCF-style: chr5-77385221-A-T.
Other names: c.2426T>A, p.Ile809Asn (NM_001271769.2); c.2573T>A, p.Ile858Asn (NM_001410752.1); short protein forms I858N, I809N.
Identifiers: ClinVar variation 2041583 (VCV002041583.4), dbSNP rs2530906301, ClinGen allele CA360333000.
Genomic context (GRCh38, chr5:78,089,397, plus strand): 5'-AAAGATACAATGGCAACATAAGAAAACCGAGCTGGTGGATTTTAAAAATAACTTACACTG[A>T]TGACTGAAGAGGAAGTTGACAAGTGTAAACCTTCAAGATCAGCCATCAAACTTGGAGAAA-3'
Protein context (NP_003655.3, residues 848-868): GLHLSTSSSV[Ile858Asn]SVSTPAFVPT

ClinVar aggregate classification (germline): Uncertain significance (1 of 4 stars; one submission).

Conditions:
Hermansky-Pudlak syndrome 2 (HPS2). Also called: Platelet defects and oculocutaneous albinism. Identifiers: Orphanet 183678, Orphanet 79430, MedGen C1842362, MONDO:0011997, OMIM 608233.

gnomAD v4.1: 1 of 1,604,230 alleles (0.000062%); highest among the groups gnomAD compares: Non-Finnish European, 0.000085%; no homozygotes.

Submission:

Labcorp Genetics (formerly Invitae), Labcorp
Classification: Uncertain significance for Hermansky-Pudlak syndrome 2. Last evaluated: 2022-08-15. Review status: criteria provided, single submitter. Criteria: Invitae Variant Classification Sherloc (09022015). Collection method: clinical testing. Allele origin: germline.
Comment: In summary, the available evidence is currently insufficient to determine the role of this variant in disease. Therefore, it has been classified as a Variant of Uncertain Significance. Algorithms developed to predict the effect of missense changes on protein structure and function are either unavailable or do not agree on the potential impact of this missense change (SIFT: "Deleterious"; PolyPhen-2: "Benign"; Align-GVGD: "Class C0"). This variant has not been reported in the literature in individuals affected with AP3B1-related conditions. This variant is not present in population databases (gnomAD no frequency). This sequence change replaces isoleucine, which is neutral and non-polar, with asparagine, which is neutral and polar, at codon 858 of the AP3B1 protein (p.Ile858Asn).